The following is an entry in ClinVar:

NM_007294.4(BRCA1):c.4186C>A (p.Gln1396Lys)

Gene: BRCA1 (BRCA1 DNA repair associated; minus strand). Cytogenetic location: 17q21.31.
Variant type: single nucleotide variant.
Coding change: c.4186C>A on transcript NM_007294.4 (MANE Select); coding-DNA position 4186, C replaced by A.
Protein change: p.Gln1396Lys; replaces glutamine 1396 with lysine.
Molecular consequence: missense variant. On other transcripts: non-coding transcript variant (1).
Genome position (GRCh38, 1-based): chr17:43,082,575, G>T on the plus strand (C>A on the coding strand, the complement: BRCA1 is on the minus strand). VCF-style: chr17-43082575-G-T. GRCh37 (hg19) VCF-style: chr17-41234592-G-T.
Other names: p.Q1396K:CAG>AAG; c.3973C>A, p.Gln1325Lys (NM_001407571.1, NM_001407853.1, NM_001407894.1 and 8 more transcripts); c.4186C>A, p.Gln1396Lys (NM_001407581.1, NM_001407582.1, NM_001407583.1 and 23 more transcripts); c.4183C>A, p.Gln1395Lys (NM_001407587.1, NM_001407590.1, NM_001407591.1 and 14 more transcripts); c.4063C>A, p.Gln1355Lys (NM_001407648.1, NM_001407664.1, NM_001407665.1 and 13 more transcripts); c.4060C>A, p.Gln1354Lys (NM_001407649.1, NM_001407670.1, NM_001407671.1 and 6 more transcripts); c.4108C>A, p.Gln1370Lys (NM_001407653.1, NM_001407654.1, NM_001407655.1 and 2 more transcripts); c.4105C>A, p.Gln1369Lys (NM_001407661.1, NM_001407662.1); and 38 more; short protein forms Q1396K, Q1349K, Q293K, Q1326K, Q1329K, Q246K, Q252K, Q266K.
Identifiers: ClinVar variation 182160 (VCV000182160.20), dbSNP rs80357011, ClinGen allele CA002699.

ClinVar aggregate classification (germline): Uncertain significance. Review status: criteria provided, multiple submitters, no conflicts (2 of 4 stars). 4 submissions from 4 submitters: Uncertain significance (4). Last evaluated 2025-11-25.

Conditions:
Hereditary cancer-predisposing syndrome. Also called: Tumor predisposition; Hereditary Cancer Syndrome; Hereditary neoplastic syndrome; Neoplastic Syndromes, Hereditary. Identifiers: Orphanet 140162, MedGen C0027672, MeSH D009386, MONDO:0015356.
Hereditary breast ovarian cancer syndrome. Also called: Breast and ovarian cancer; Hereditary breast and ovarian cancer; Hereditary breast and/or ovarian cancer syndrome; BRCA1- and BRCA2-Associated Hereditary Breast and Ovarian Cancer; Hereditary breast and ovarian cancer syndrome (HBOC); Hereditary breast and ovarian cancer syndrome. Identifiers: Orphanet 145, MedGen C0677776, MeSH D061325, MONDO:0003582. Disease mechanism: loss of function.

Allele frequency attached by ClinVar (database versions not stated): gnomAD 0.00001; TOPMed 0.00001.
gnomAD v4.1: 2 of 1,613,900 alleles (0.00012%); highest among the groups gnomAD compares: African/African-American, 0.0027%; no homozygotes.

Submissions (4):

Women's Health and Genetics/Laboratory Corporation of America, LabCorp
Classification: Uncertain significance. Last evaluated: 2025-11-25. Review status: criteria provided, single submitter. Criteria: LabCorp Variant Classification Summary - May 2015. Collection method: clinical testing. Allele origin: germline.
Comment: Variant summary: BRCA1 c.4186C>A (p.Gln1396Lys) results in a conservative amino acid change in the encoded protein sequence. Algorithms developed to predict the effect of missense changes on protein structure and function are either unavailable or do not agree on the potential impact of this missense change. Consensus agreement among computation tools predict no significant impact on normal splicing. However, these predictions have yet to be confirmed by functional studies. The variant was absent in 251244 control chromosomes. The available data on variant occurrences in the general population are insufficient to allow any conclusion about variant significance. c.4186C>A has been observed in the presumed heterozygous state in at least 1 individual(s) affected with clinical features of ovarian cancer (example, Kadri_2020) without strong evidence for causality. These report(s) do not provide unequivocal conclusions about association of the variant with Hereditary Breast And Ovarian Cancer Syndrome. To our knowledge, no experimental evidence demonstrating an impact on protein function has been reported. The following publications have been ascertained in the context of this evaluation (PMID: 33552952, 31694833). ClinVar contains an entry for this variant (Variation ID: 182160). Based on the evidence outlined above, the variant was classified as uncertain significance.

Ambry Genetics
Classification: Uncertain significance for Hereditary cancer-predisposing syndrome. Last evaluated: 2025-11-03. Review status: criteria provided, single submitter. Criteria: Ambry Variant Classification Scheme 2023. Collection method: clinical testing. Allele origin: germline.
Comment: The p.Q1396K variant (also known as c.4186C>A), located in coding exon 11 of the BRCA1 gene, results from a C to A substitution at nucleotide position 4186. This variant impacts the first base pair of coding exon 11. The glutamine at codon 1396 is replaced by lysine, an amino acid with similar properties. This alteration was identified in an individual diagnosed with ovarian cancer (Kadri MSN et al. Front Oncol, 2020 Jan;10:568786). This amino acid position is highly conserved in available vertebrate species. In addition, this alteration is predicted to be deleterious by in silico analysis. Since supporting evidence is limited at this time, the clinical significance of this alteration remains unclear.

Labcorp Genetics (formerly Invitae), Labcorp
Classification: Uncertain significance for Hereditary breast ovarian cancer syndrome. Last evaluated: 2025-06-19. Review status: criteria provided, single submitter. Criteria: Invitae Variant Classification Sherloc (09022015). Collection method: clinical testing. Allele origin: germline.
Comment: This sequence change replaces glutamine, which is neutral and polar, with lysine, which is basic and polar, at codon 1396 of the BRCA1 protein (p.Gln1396Lys). This variant is present in population databases (rs80357011, gnomAD 0.01%). This variant has not been reported in the literature in individuals affected with BRCA1-related conditions. ClinVar contains an entry for this variant (Variation ID: 182160). An algorithm developed to predict the effect of missense changes on protein structure and function (PolyPhen-2) suggests that this variant is likely to be tolerated. In summary, the available evidence is currently insufficient to determine the role of this variant in disease. Therefore, it has been classified as a Variant of Uncertain Significance.

GeneDx
Classification: Uncertain significance. Last evaluated: 2018-02-12. Review status: criteria provided, single submitter. Criteria: GeneDx Variant Classification (06012015). Collection method: clinical testing. Allele origin: germline. Affected: yes.
Comment: This variant is denoted BRCA1 c.4186C>A at the cDNA level, p.Gln1396Lys (Q1396K) at the protein level, and results in the change of a Glutamine to a Lysine (CAG>AAG). Using alternate nomenclature, this variant would be defined as BRCA1 4305C>A. This variant has not, to our knowledge, been published in the literature as pathogenic or benign. BRCA1 Gln1396Lys was not observed at a significant allele frequency in large population cohorts (Lek 2016). This variant is located in the SCD domain and in a region known to interact with multiple proteins (Chen 1998, Narod 2004, Clark 2012). In silico analysis, which includes protein predictors and evolutionary conservation, supports that this variant does not alter protein structure/function. Based on currently available information, it is unclear whether BRCA1 Gln1396Lys is a pathogenic or benign variant. We consider it to be a variant of uncertain significance.

Literature cited by the submitters: PubMed 33552952 (cited by Women's Health and Genetics/Laboratory Corporation of America, LabCorp and Ambry Genetics); PubMed 31694833 (cited by Women's Health and Genetics/Laboratory Corporation of America, LabCorp).